The following is an entry in ClinVar:

NM_001374828.1(ARID1B):c.6971C>T (p.Ala2324Val)

Gene: ARID1B (AT-rich interaction domain 1B; plus strand). Cytogenetic location: 6q25.3.
Variant type: single nucleotide variant.
Coding change: c.6971C>T on transcript NM_001374828.1 (MANE Select); coding-DNA position 6971, C replaced by T.
Protein change: p.Ala2324Val; replaces alanine 2324 with valine.
Molecular consequence: missense variant.
Genome position (GRCh38, 1-based): chr6:157,207,743, C>T. VCF-style: chr6-157207743-C-T. GRCh37 (hg19) VCF-style: chr6-157528877-C-T.
Other names: c.4472C>T, p.Ala1491Val (NM_001363725.2); c.6851C>T, p.Ala2284Val (NM_001371656.1, NM_001374820.1); c.7100C>T, p.Ala2367Val (NM_001438482.1); c.7013C>T, p.Ala2338Val (NM_001438483.1); c.6881C>T, p.Ala2294Val (NM_001438485.1); c.6854C>T, p.Ala2285Val (NM_001438486.1); c.6791C>T, p.Ala2264Val (NM_001438487.1); c.4313C>T, p.Ala1438Val (NM_001438488.1); and 1 more; short protein forms A1438V, A1491V, A2264V, A2271V, A2284V, A2285V, A2294V, A2324V.
Identifiers: ClinVar variation 4801409 (VCV004801409.1).

ClinVar aggregate classification (germline): Uncertain significance (1 of 4 stars; one submission).

Submission:

Labcorp Genetics (formerly Invitae), Labcorp
Classification: Uncertain significance. Last evaluated: 2025-04-10. Review status: criteria provided, single submitter. Criteria: Invitae Variant Classification Sherloc (09022015). Collection method: clinical testing. Allele origin: germline.
Comment: This sequence change replaces alanine, which is neutral and non-polar, with valine, which is neutral and non-polar, at codon 2201 of the ARID1B protein (p.Ala2201Val). This variant is not present in population databases (gnomAD no frequency). This variant has not been reported in the literature in individuals affected with ARID1B-related conditions. Invitae Evidence Modeling of protein sequence and biophysical properties (such as structural, functional, and spatial information, amino acid conservation, physicochemical variation, residue mobility, and thermodynamic stability) has been performed for this missense variant. However, the output from this modeling did not meet the statistical confidence thresholds required to predict the impact of this variant on ARID1B protein function. In summary, the available evidence is currently insufficient to determine the role of this variant in disease. Therefore, it has been classified as a Variant of Uncertain Significance.